The following is an entry in ClinVar:

NM_021038.5(MBNL1):c.145C>T (p.Arg49Ter)

Gene: MBNL1 (muscleblind like splicing regulator 1; plus strand). Cytogenetic location: 3q25.2.
Variant type: single nucleotide variant.
Coding change: c.145C>T on transcript NM_021038.5 (MANE Select); coding-DNA position 145, C replaced by T.
Protein change: p.Arg49Ter; replaces arginine 49 with a stop codon.
Molecular consequence: nonsense. On other transcripts: 5 prime UTR variant (7), non-coding transcript variant (14), intron variant (42).
Genome position (GRCh38, 1-based): chr3:152,300,338, C>T. VCF-style: chr3-152300338-C-T. GRCh37 (hg19) VCF-style: chr3-152018127-C-T.
Other names: c.145C>T, p.Arg49Ter (NM_001376828.1, NM_001376829.1, NM_001376830.1 and 44 more transcripts); c.-132C>T (NM_001376843.1, NM_001387807.1, NM_001387813.1 and 2 more transcripts); c.-163C>T (NM_001387799.1); c.-688C>T (NM_001387805.1); c.-778-34773C>T (NM_001387811.1); c.-114-34773C>T (NM_001387797.1); c.-103+55898C>T (NM_001376839.1, NM_001376840.1, NM_001376845.1 and 2 more transcripts); c.-4+55898C>T (NM_001387821.1); and 14 more; short protein forms R49*.
Identifiers: ClinVar variation 3389011 (VCV003389011.14).
Genomic context (GRCh38, chr3:152,300,338, plus strand): 5'-CGGCCAGACACGGAATGTAAATTTGCACATCCTTCGAAAAGCTGCCAAGTTGAAAATGGA[C>T]GAGTAATCGCCTGCTTTGATTCATTGAAAGTGAGTAACTATTATATTCTTTTAAGGATAT-3'

ClinVar aggregate classification (germline): Uncertain significance (1 of 4 stars; one submission).

Submission:

CeGaT Center for Human Genetics Tuebingen
Classification: Uncertain significance. Last evaluated: 2024-09-01. Review status: criteria provided, single submitter. Criteria: CeGaT Center For Human Genetics Tuebingen Variant Classification Criteria Version 2. Collection method: clinical testing. Allele origin: germline. Affected: yes. Observed: 1 variant allele.
Comment: MBNL1: PM2, PS2:Supporting